The following is an entry in ClinVar:

ClinVar aggregate classification (germline): Benign. Review status: criteria provided, multiple submitters, no conflicts (2 of 4 stars). 4 submissions from 4 submitters: Benign (4). Last evaluated 2026-03-02.

Allele frequency attached by ClinVar (database versions not stated): ESP Exome Variant Server 0.00792; gnomAD 0.00831 and 0.00897; TOPMed 0.00907; gnomAD exomes 0.00218; ExAC 0.00258; 1000 Genomes Project 30x 0.00593; 1000 Genomes Project 0.00599.
gnomAD v4.1: 2,488 of 1,594,044 alleles (0.16%); highest among the groups gnomAD compares: African/African-American, 2.9%; 42 homozygotes.

Submissions (4):

Women's Health and Genetics/Laboratory Corporation of America, LabCorp
Classification: Benign. Last evaluated: 2026-03-02. Review status: criteria provided, single submitter. Criteria: LabCorp Variant Classification Summary - May 2015. Collection method: clinical testing. Allele origin: germline.
Comment: Variant summary: PSMA3 c.477C>T (p.Tyr159Tyr) alters a conserved nucleotide located close to a canonical splice site and therefore could affect mRNA splicing, leading to a significantly altered protein sequence. The variant allele was found at a frequency of 0.0022 in 249988 control chromosomes, predominantly at a frequency of 0.029 within the African or African-American subpopulation in the gnomAD database, including 11 homozygotes. The observed variant frequency within African or African-American control individuals in the gnomAD database exceeds the estimated maximal expected allele frequency for disease-causing variants in PSMA3. To our knowledge, no occurrence of c.477C>T in individuals affected with PSMA3-related conditions and no experimental evidence demonstrating its impact on protein function have been reported. ClinVar contains an entry for this variant (Variation ID: 1165482). Based on the evidence outlined above, the variant was classified as benign.

Labcorp Genetics (formerly Invitae), Labcorp
Classification: Benign. Last evaluated: 2026-02-01. Review status: criteria provided, single submitter. Criteria: Invitae Variant Classification Sherloc (09022015). Collection method: clinical testing. Allele origin: germline.

Mayo Clinic Laboratories, Mayo Clinic
Classification: Benign. Last evaluated: 2025-10-23. Review status: criteria provided, single submitter. Criteria: ACMG Guidelines, 2015. Collection method: clinical testing. Allele origin: germline. Observed: 1 variant allele.
Comment: BS1, BS2, BP4, BP7

Breakthrough Genomics
Classification: Benign. Review status: criteria provided, single submitter. Criteria: ACMG Guidelines, 2015. Collection method: not provided. Allele origin: germline. Inheritance: Unknown mechanism. Affected: yes.

NM_002788.4(PSMA3):c.477C>T (p.Tyr159=)

Gene: PSMA3 (proteasome 20S subunit alpha 3; plus strand). Cytogenetic location: 14q23.1.
Variant type: single nucleotide variant.
Coding change: c.477C>T on transcript NM_002788.4 (MANE Select); coding-DNA position 477, C replaced by T.
Protein change: p.Tyr159=; no amino-acid change (tyrosine 159 retained).
Molecular consequence: synonymous variant. On other transcripts: non-coding transcript variant (1).
Genome position (GRCh38, 1-based): chr14:58,261,020, C>T. VCF-style: chr14-58261020-C-T. GRCh37 (hg19) VCF-style: chr14-58727738-C-T.
Other names: p.Tyr159=; c.456C>T, p.Tyr152= (NM_152132.3).
Identifiers: ClinVar variation 1165482 (VCV001165482.12), dbSNP rs112146406, ClinGen allele CA7203781.
Genomic context (GRCh38, chr14:58,261,020, plus strand): 5'-GTCTTACAGTGTGAATGACGGTGCGCAACTCTACATGATTGACCCATCAGGTGTTTCATA[C>T]GTGAGTAATTTTGAATCATTTGAAATTCTATTTTAGTTTAATGGTATTTCATTAGCATTT-3'
Protein context (NP_002779.1, residues 149-169): LYMIDPSGVS[Tyr159=]GYWGCAIGKA